The following is an entry in ClinVar:

NM_020911.2(PLXNA4):c.1678C>T (p.Arg560Trp)

Gene: PLXNA4 (plexin A4; minus strand). Cytogenetic location: 7q32.3.
Variant type: single nucleotide variant.
Coding change: c.1678C>T on transcript NM_020911.2 (MANE Select); coding-DNA position 1678, C replaced by T.
Protein change: p.Arg560Trp; replaces arginine 560 with tryptophan.
Molecular consequence: missense variant.
Genome position (GRCh38, 1-based): chr7:132,228,396, G>A on the plus strand (C>T on the coding strand, the complement: PLXNA4 is on the minus strand). VCF-style: chr7-132228396-G-A. GRCh37 (hg19) VCF-style: chr7-131913155-G-A.
Other names: c.1678C>T, p.Arg560Trp (NM_001393897.1); short protein forms R560W.
Identifiers: ClinVar variation 3215580 (VCV003215580.2), dbSNP rs374091023, ClinGen allele CA4490053.

ClinVar aggregate classification (germline): Uncertain significance. Review status: criteria provided, single submitter (1 of 4 stars). 2 submissions from 2 submitters: Uncertain significance (1). 1 of the submissions does not count toward it. Last evaluated 2024-01-02.

Conditions:
PLXNA4-related disorder. Also called: PLXNA4-related condition.

Allele frequency attached by ClinVar (database versions not stated): gnomAD 0.00002; TOPMed 0.00002; ExAC 0.00003; gnomAD exomes 0.00003; ESP Exome Variant Server 0.00008.
gnomAD v4.1: 46 of 1,613,970 alleles (0.0029%); highest among the groups gnomAD compares: Non-Finnish European, 0.0033%; 1 homozygote.

Submissions (2):

Ambry Genetics
Classification: Uncertain significance. Last evaluated: 2024-01-02. Review status: criteria provided, single submitter. Criteria: Ambry Variant Classification Scheme 2023. Collection method: clinical testing. Allele origin: germline.

PreventionGenetics, part of Exact Sciences
Classification: Uncertain significance for PLXNA4-related condition. Last evaluated: 2024-09-05. Review status: no assertion criteria provided. Collection method: clinical testing. Allele origin: germline. Not counted in ClinVar's aggregate classification.
Comment: The PLXNA4 c.1678C>T variant is predicted to result in the amino acid substitution p.Arg560Trp. To our knowledge, this variant has not been reported in the literature. This variant is reported in 0.0070% of alleles in individuals of European (Non-Finnish) descent in gnomAD. At this time, the clinical significance of this variant is uncertain due to the absence of conclusive functional and genetic evidence.